The following is an entry in ClinVar:

ClinVar aggregate classification (germline): Benign/Likely benign. Review status: criteria provided, multiple submitters, no conflicts (2 of 4 stars). 12 submissions from 12 submitters: Benign (2); Likely benign (6). 4 of the submissions do not count toward it. Last evaluated 2026-05-01.

Conditions:
Left ventricular noncompaction 8 (LVNC8). Identifiers: Orphanet 154, Orphanet 54260, MedGen C3809288, MONDO:0014152, OMIM 615373.

Allele frequency attached by ClinVar (database versions not stated): 1000 Genomes Project 0.00080; 1000 Genomes Project 30x 0.00109; ESP Exome Variant Server 0.00159; TOPMed 0.00287.
gnomAD v4.1: 5,685 of 1,524,290 alleles (0.37%); highest among the groups gnomAD compares: Non-Finnish European, 0.46%; 22 homozygotes.

Submissions (12):

CeGaT Center for Human Genetics Tuebingen
Classification: Benign. Last evaluated: 2026-05-01. Review status: criteria provided, single submitter. Criteria: CeGaT Center For Human Genetics Tuebingen Variant Classification Criteria Version 2. Collection method: clinical testing. Allele origin: germline. Affected: yes. Observed: 5 variant alleles.
Comment: PRDM16: BS1, BS2

Labcorp Genetics (formerly Invitae), Labcorp
Classification: Benign for Left ventricular noncompaction 8. Last evaluated: 2026-02-03. Review status: criteria provided, single submitter. Criteria: Invitae Variant Classification Sherloc (09022015). Collection method: clinical testing. Allele origin: germline.

ARUP Laboratories, Molecular Genetics and Genomics, ARUP Laboratories
Classification: Likely benign. Last evaluated: 2025-01-22. Review status: criteria provided, single submitter. Criteria: ARUP Molecular Germline Variant Investigation Process 2024. Collection method: clinical testing. Allele origin: germline.

Mayo Clinic Laboratories, Mayo Clinic
Classification: Likely benign. Last evaluated: 2024-12-31. Review status: criteria provided, single submitter. Criteria: ACMG Guidelines, 2015. Collection method: clinical testing. Allele origin: germline. Observed: 4 variant alleles.
Comment: BS1, BP4

Blueprint Genetics
Classification: Likely benign. Last evaluated: 2024-11-20. Review status: criteria provided, single submitter. Criteria: ACMG Guidelines, 2015. Collection method: clinical testing. Allele origin: germline.

Women's Health and Genetics/Laboratory Corporation of America, LabCorp
Classification: Likely benign. Last evaluated: 2024-01-01. Review status: criteria provided, single submitter. Criteria: LabCorp Variant Classification Summary - May 2015. Collection method: clinical testing. Allele origin: germline.

GeneDx
Classification: Likely benign. Last evaluated: 2017-05-26. Review status: criteria provided, single submitter. Criteria: GeneDx Variant Classification (06012015). Collection method: clinical testing. Allele origin: germline. Affected: yes.
Comment: This variant is considered likely benign or benign based on one or more of the following criteria: it is a conservative change, it occurs at a poorly conserved position in the protein, it is predicted to be benign by multiple in silico algorithms, and/or has population frequency not consistent with disease.

Laboratory for Molecular Medicine, Mass General Brigham Personalized Medicine
Classification: Likely benign. Last evaluated: 2016-01-13. Review status: criteria provided, single submitter. Criteria: LMM Criteria. Collection method: clinical testing. Allele origin: germline. Observed: 4 variant alleles.
Comment: p.Arg823Pro in exon 9 of PRDM16: This variant is not expected to have clinical significance because it has been identified in 0.7% (64/9174) of European chromo somes by the Exome Aggregation Consortium (ExAC ; dbSNP rs371654192).

Clinical Genetics DNA and cytogenetics Diagnostics Lab, Erasmus MC, Erasmus Medical Center
Classification: Benign. Review status: no assertion criteria provided. Collection method: clinical testing. Allele origin: germline. Affected: yes. Study: VKGL Data-share Consensus. Not counted in ClinVar's aggregate classification.

Clinical Genetics, Academic Medical Center
Classification: Benign. Review status: no assertion criteria provided. Collection method: clinical testing. Allele origin: germline. Affected: yes. Study: VKGL Data-share Consensus. Not counted in ClinVar's aggregate classification.

Diagnostic Laboratory, Department of Genetics, University Medical Center Groningen
Classification: Likely benign. Review status: no assertion criteria provided. Collection method: clinical testing. Allele origin: germline. Affected: yes. Study: VKGL Data-share Consensus. Not counted in ClinVar's aggregate classification.

Joint Genome Diagnostic Labs from Nijmegen and Maastricht, Radboudumc and MUMC+
Classification: Likely benign. Review status: no assertion criteria provided. Collection method: clinical testing. Allele origin: germline. Affected: yes. Study: VKGL Data-share Consensus. Not counted in ClinVar's aggregate classification.

Literature cited by the submitters: PubMed 26350513 (cited by Mayo Clinic Laboratories, Mayo Clinic and Laboratory for Molecular Medicine, Mass General Brigham Personalized Medicine).

NM_022114.4(PRDM16):c.2468G>C (p.Arg823Pro)

Gene: PRDM16 (PR/SET domain 16; plus strand). Cytogenetic location: 1p36.32.
Variant type: single nucleotide variant.
Coding change: c.2468G>C on transcript NM_022114.4 (MANE Select); coding-DNA position 2468, G replaced by C.
Protein change: p.Arg823Pro; replaces arginine 823 with proline.
Molecular consequence: missense variant.
Genome position (GRCh38, 1-based): chr1:3,412,665, G>C. VCF-style: chr1-3412665-G-C. GRCh37 (hg19) VCF-style: chr1-3329229-G-C.
Other names: c.2468G>C, p.Arg823Pro (NM_199454.3); short protein forms R823P.
Identifiers: ClinVar variation 227865 (VCV000227865.51), dbSNP rs371654192, ClinGen allele CA544486.